The following is an entry in ClinVar:

NM_006005.3(WFS1):c.1628T>C (p.Leu543Pro)

Gene: WFS1 (wolframin ER transmembrane glycoprotein; plus strand). Cytogenetic location: 4p16.1.
Variant type: single nucleotide variant.
Coding change: c.1628T>C on transcript NM_006005.3 (MANE Select); coding-DNA position 1628, T replaced by C.
Protein change: p.Leu543Pro; replaces leucine 543 with proline.
Molecular consequence: missense variant.
Genome position (GRCh38, 1-based): chr4:6,301,423, T>C. VCF-style: chr4-6301423-T-C. GRCh37 (hg19) VCF-style: chr4-6303150-T-C.
Other names: c.1628T>C, p.Leu543Pro (NM_001145853.1); short protein forms L543P.
Identifiers: ClinVar variation 2846082 (VCV002846082.3), dbSNP rs1309408215, ClinGen allele CA356176347.
Genomic context (GRCh38, chr4:6,301,423, plus strand): 5'-ATTTCAAGGGCACCTACTGCTACCTTGTGCCCTACCTGGTGTGCTTCATGTGGTGTGAGC[T>C]CTCCGTGGTCATCCTGCTGGAGTCCACCGGCCTGGGGCTGCTCCGCGCCTCCATCGGCTA-3'
Protein context (NP_005996.2, residues 533-553): PYLVCFMWCE[Leu543Pro]SVVILLESTG

ClinVar aggregate classification (germline): Likely pathogenic (1 of 4 stars; one submission).

Submission:

Labcorp Genetics (formerly Invitae), Labcorp
Classification: Likely pathogenic. Last evaluated: 2023-03-15. Review status: criteria provided, single submitter. Criteria: Invitae Variant Classification Sherloc (09022015). Collection method: clinical testing. Allele origin: germline.
Comment: This variant disrupts the p.Leu543 amino acid residue in WFS1. Other variant(s) that disrupt this residue have been determined to be pathogenic (PMID: 12754709, 16151413; Invitae). This suggests that this residue is clinically significant, and that variants that disrupt this residue are likely to be disease-causing. In summary, the currently available evidence indicates that the variant is pathogenic, but additional data are needed to prove that conclusively. Therefore, this variant has been classified as Likely Pathogenic. Advanced modeling of protein sequence and biophysical properties (such as structural, functional, and spatial information, amino acid conservation, physicochemical variation, residue mobility, and thermodynamic stability) has been performed at Invitae for this missense variant, however the output from this modeling did not meet the statistical confidence thresholds required to predict the impact of this variant on WFS1 protein function. This missense change has been observed in individual(s) with clinical features of WFS1-related conditions (Invitae). This variant is not present in population databases (gnomAD no frequency). This sequence change replaces leucine, which is neutral and non-polar, with proline, which is neutral and non-polar, at codon 543 of the WFS1 protein (p.Leu543Pro).

Literature cited by the submitters: PubMed 12754709; PubMed 16151413.